The following is an entry in ClinVar:

ClinVar aggregate classification (germline): Likely benign (1 of 4 stars; one submission).

Submission:

CeGaT Center for Human Genetics Tuebingen
Classification: Likely benign. Last evaluated: 2025-10-01. Review status: criteria provided, single submitter. Criteria: CeGaT Center For Human Genetics Tuebingen Variant Classification Criteria Version 2. Collection method: clinical testing. Allele origin: germline. Affected: yes. Observed: 1 variant allele.
Comment: PRAMEF1: PM2:Supporting, BP4, BP7

NM_023013.4(PRAMEF1):c.9C>T (p.Ile3=)

Gene: PRAMEF1 (PRAME family member 1; plus strand). Cytogenetic location: 1p36.21.
Variant type: single nucleotide variant.
Coding change: c.9C>T on transcript NM_023013.4 (MANE Select); coding-DNA position 9, C replaced by T.
Protein change: p.Ile3=; no amino-acid change (isoleucine 3 retained).
Molecular consequence: synonymous variant.
Genome position (GRCh38, 1-based): chr1:12,793,236, C>T. VCF-style: chr1-12793236-C-T. GRCh37 (hg19) VCF-style: chr1-12853385-C-T.
Identifiers: ClinVar variation 4533960 (VCV004533960.6).